The following is an entry in ClinVar:

NM_139119.3(YY1AP1):c.923G>C (p.Cys308Ser)

Gene: YY1AP1 (YY1 associated protein 1; minus strand). Cytogenetic location: 1q22.
Variant type: single nucleotide variant.
Coding change: c.923G>C on transcript NM_139119.3 (MANE Select); coding-DNA position 923, G replaced by C.
Protein change: p.Cys308Ser; replaces cysteine 308 with serine.
Molecular consequence: missense variant.
Genome position (GRCh38, 1-based): chr1:155,661,380, C>G on the plus strand (G>C on the coding strand, the complement: YY1AP1 is on the minus strand). VCF-style: chr1-155661380-C-G. GRCh37 (hg19) VCF-style: chr1-155631171-C-G.
Other names: c.890G>C, p.Cys297Ser (NM_001198899.2, NM_001198900.2, NM_018253.4); c.923G>C, p.Cys308Ser (NM_001198901.2, NM_001198902.2); c.1337G>C, p.Cys446Ser (NM_001198903.1); c.1277G>C, p.Cys426Ser (NM_001198904.1); c.863G>C, p.Cys288Ser (NM_001198905.2); c.1121G>C, p.Cys374Ser (NM_001198906.2); c.1061G>C, p.Cys354Ser (NM_139118.3); c.725G>C, p.Cys242Ser (NM_139121.3); short protein forms C242S, C288S, C297S, C308S, C354S, C374S, C426S, C446S.
Identifiers: ClinVar variation 3254939 (VCV003254939.1), dbSNP rs372439408.

ClinVar aggregate classification (germline): Uncertain significance (1 of 4 stars; one submission).

Conditions:
Grange syndrome (GRNG). Also called: GRANGE OCCLUSIVE ARTERIAL SYNDROME. Identifiers: Orphanet 79094, MedGen C1865267, MONDO:0011243, OMIM 602531.

Allele frequency attached by ClinVar (database versions not stated): ExAC 0.00001; ESP Exome Variant Server 0.00008.
gnomAD v4.1: 9 of 1,613,870 alleles (0.00056%); highest among the groups gnomAD compares: South Asian, 0.0099%; no homozygotes.

Submission:

Victorian Clinical Genetics Services, Murdoch Childrens Research Institute
Classification: Uncertain significance for Grange syndrome. Last evaluated: 2023-07-17. Review status: criteria provided, single submitter. Criteria: ACMG Guidelines, 2015. Collection method: clinical testing. Allele origin: germline. Inheritance: Autosomal recessive inheritance. Affected: yes.
Comment: Based on the classification scheme VCGS_Germline_v1.3.4, this variant is classified as VUS-3B. Following criteria are met: 0102 - Loss of function is a known mechanism of disease in this gene and is associated with Grange syndrome, (MIM#602531). (I) 0106 - This gene is associated with autosomal recessive disease. (I) 0200 - Variant is predicted to result in a missense amino acid change from cysteine to serine. (I) 0252 - This variant is homozygous. (I) 0304 - Variant is present in gnomAD (v2) <0.01 for a recessive condition (2 heterozygotes, 0 homozygotes). (SP) 0309 - Multiple alternative amino acid changes at the same position have been observed in gnomAD (v2) (highest allele count: 2 heterozygotes, 0 homozygotes). (I) 0501 - Missense variant consistently predicted to be damaging by multiple in silico tools or highly conserved with a major amino acid change. (SP) 0604 - Variant is not located in an established domain, motif, hotspot or informative constraint region. (I) 0705 - No comparable missense variants have previous evidence for pathogenicity. (I) 0807 - This variant has no previous evidence of pathogenicity. (I) 0905 - No published segregation evidence has been identified for this variant. (I) 1007 - No published functional evidence has been identified for this variant. (I) 1209 - This variant has been shown to be both maternally and paternally inherited (biallelic, by trio analysis). (I) Legend: (SP) - Supporting pathogenic, (I) - Information, (SB) - Supporting benign